The following is an entry in ClinVar:

ClinVar aggregate classification (germline): Likely benign (0 of 4 stars; one submission).

Conditions:
FOXJ1-related disorder. Also called: FOXJ1-related condition.

Allele frequency attached by ClinVar (database versions not stated): 1000 Genomes Project 0.00060; 1000 Genomes Project 30x 0.00062; ESP Exome Variant Server 0.00073; ExAC 0.00102; gnomAD 0.00127; TOPMed 0.00127; gnomAD exomes 0.00198.
gnomAD v4.1: 2,988 of 1,576,468 alleles (0.19%); highest among the groups gnomAD compares: Non-Finnish European, 0.24%; 6 homozygotes.

Submission:

PreventionGenetics, part of Exact Sciences
Classification: Likely benign for FOXJ1-related condition. Last evaluated: 2022-07-08. Review status: no assertion criteria provided. Collection method: clinical testing. Allele origin: germline.
Comment: This variant is classified as likely benign based on ACMG/AMP sequence variant interpretation guidelines (Richards et al. 2015 PMID: 25741868, with internal and published modifications).

NM_001454.4(FOXJ1):c.732T>C (p.Asn244=)

Gene: FOXJ1 (forkhead box J1; minus strand). Cytogenetic location: 17q25.1.
Variant type: single nucleotide variant.
Coding change: c.732T>C on transcript NM_001454.4 (MANE Select); coding-DNA position 732, T replaced by C.
Protein change: p.Asn244=; no amino-acid change (asparagine 244 retained).
Molecular consequence: synonymous variant.
Genome position (GRCh38, 1-based): chr17:76,137,887, A>G on the plus strand (T>C on the coding strand, the complement: FOXJ1 is on the minus strand). VCF-style: chr17-76137887-A-G. GRCh37 (hg19) VCF-style: chr17-74133968-A-G.
Identifiers: ClinVar variation 3045834 (VCV003045834.2), dbSNP rs181143622, ClinGen allele CA8781969.
Genomic context (GRCh38, chr17:76,137,887, plus strand): 5'-ACCCCAGCCCGCCTCCCCGGTGGCCTCCTCGAACTCCCGCAGCAGCTGCTGGGCCTCGGT[A>G]TTCACCGTCAGCGGCCCGGCCCGGGGGACAGCGCTGGGCTCCTGCGCGGCCTGGCGGGCA-3'
Protein context (NP_001445.2, residues 234-254): AVPRAGPLTV[Asn244=]TEAQQLLREF